The following is an entry in ClinVar:

ClinVar aggregate classification (germline): Uncertain significance. Review status: criteria provided, multiple submitters, no conflicts (2 of 4 stars). 2 submissions from 2 submitters: Uncertain significance (2). Last evaluated 2025-09-25.

gnomAD v4.1: 33 of 1,613,078 alleles (0.002%); highest among the groups gnomAD compares: East Asian, 0.013%; no homozygotes.

Submissions (2):

Mayo Clinic Laboratories, Mayo Clinic
Classification: Uncertain significance. Last evaluated: 2025-09-25. Review status: criteria provided, single submitter. Criteria: ACMG Guidelines, 2015. Collection method: clinical testing. Allele origin: germline. Observed: 1 variant allele.
Comment: BP4_moderate, PM1, PM2_supporting, PM3_supporting, PS3_supporting

Women's Health and Genetics/Laboratory Corporation of America, LabCorp
Classification: Uncertain significance. Last evaluated: 2024-06-11. Review status: criteria provided, single submitter. Criteria: LabCorp Variant Classification Summary - May 2015. Collection method: clinical testing. Allele origin: germline.
Comment: Variant summary: HPS4 c.1856C>T (p.Pro619Leu) results in a non-conservative amino acid change located in the CCZ1/INTU/HPS4, third Longin domain (IPR043989) of the encoded protein sequence. Four of five in-silico tools predict a damaging effect of the variant on protein function. The variant allele was found at a frequency of 2e-05 in 249614 control chromosomes. c.1856C>T has been reported in the literature in individuals affected with Albinism (Lasseaux_2018). These data indicate that the variant may be associated with disease. To our knowledge, no experimental evidence demonstrating an impact on protein function has been reported. The following publication have been ascertained in the context of this evaluation (PMID: 29345414). No submitters have cited clinical-significance assessments for this variant to ClinVar. Based on the evidence outlined above, the variant was classified as VUS-possibly pathogenic.

Literature cited by the submitters: PubMed 29345414 (cited by Mayo Clinic Laboratories, Mayo Clinic and Women's Health and Genetics/Laboratory Corporation of America, LabCorp); PubMed 40140412 (cited by Mayo Clinic Laboratories, Mayo Clinic).

NM_022081.6(HPS4):c.1856C>T (p.Pro619Leu)

Gene: HPS4 (HPS4 biogenesis of lysosomal organelles complex 3 subunit 2; minus strand). Cytogenetic location: 22q12.1.
Variant type: single nucleotide variant.
Coding change: c.1856C>T on transcript NM_022081.6 (MANE Select); coding-DNA position 1856, C replaced by T.
Protein change: p.Pro619Leu; replaces proline 619 with leucine.
Molecular consequence: missense variant. On other transcripts: non-coding transcript variant (8), intron variant (2).
Genome position (GRCh38, 1-based): chr22:26,457,958, G>A on the plus strand (C>T on the coding strand, the complement: HPS4 is on the minus strand). VCF-style: chr22-26457958-G-A. GRCh37 (hg19) VCF-style: chr22-26853924-G-A.
Other names: p.Pro619Leu; c.1856C>T, p.Pro619Leu (NM_001349896.1, NM_001349898.2, NM_001349899.2 and 3 more transcripts); c.1910C>T, p.Pro637Leu (NM_001349900.2, NM_001349901.1); c.1841C>T, p.Pro614Leu (NM_152841.2); c.1714-4554C>T (NM_001349902.1, NM_001349903.2); short protein forms P614L, P619L, P637L.
Identifiers: ClinVar variation 3339617 (VCV003339617.2).